The following is an entry in ClinVar:

NM_001267550.2(TTN):c.34845C>T (p.Pro11615=)

Gene: TTN (titin; minus strand). Cytogenetic location: 2q31.2.
Variant type: single nucleotide variant.
Coding change: c.34845C>T on transcript NM_001267550.2 (MANE Select); coding-DNA position 34845, C replaced by T.
Protein change: p.Pro11615=; no amino-acid change (proline 11615 retained).
Molecular consequence: synonymous variant. On other transcripts: intron variant (3).
Genome position (GRCh38, 1-based): chr2:178,672,645, G>A on the plus strand (C>T on the coding strand, the complement: TTN is on the minus strand). VCF-style: chr2-178672645-G-A. GRCh37 (hg19) VCF-style: chr2-179537372-G-A.
Other names: c.33723C>T, p.Pro11241= (NM_001256850.1); c.30942C>T, p.Pro10314= (NM_133378.4); c.13283-30328C>T (NM_003319.4); c.13859-30328C>T (NM_133437.4); c.13658-30328C>T (NM_133432.3).
Identifiers: ClinVar variation 166100 (VCV000166100.71), dbSNP rs368781863, ClinGen allele CA178896.

ClinVar aggregate classification (germline): Benign/Likely benign. Review status: criteria provided, multiple submitters, no conflicts (2 of 4 stars). 14 submissions from 14 submitters: Benign (1); Likely benign (10). 3 of the submissions do not count toward it. Last evaluated 2026-01-24.

Conditions:
Dilated cardiomyopathy 1G (CMD1G). Identifiers: Orphanet 154, MedGen C1858763, MONDO:0011400, OMIM 604145.
Autosomal recessive limb-girdle muscular dystrophy type 2J (LGMDR10). Also called: Limb-girdle muscular dystrophy, type 2J; MUSCULAR DYSTROPHY, LIMB-GIRDLE, AUTOSOMAL RECESSIVE 10. Identifiers: Orphanet 140922, MedGen C1837342, MONDO:0012127, OMIM 608807.
Cardiomyopathy (CMYO). Also called: Cardiomyopathies. Identifiers: Orphanet 167848, MedGen C0878544, MONDO:0004994, HP:0001638. Inheritance: Various modes of inheritance.

Allele frequency attached by ClinVar (database versions not stated): ExAC 0.00023; gnomAD exomes 0.00023 and 0.00054; gnomAD 0.00026 and 0.00030; TOPMed 0.00039; 1000 Genomes Project 0.00060; ESP Exome Variant Server 0.00076; 1000 Genomes Project 30x 0.00078.

Submissions (14):

Labcorp Genetics (formerly Invitae), Labcorp
Classification: Likely benign for Dilated cardiomyopathy 1G; Autosomal recessive limb-girdle muscular dystrophy type 2J. Last evaluated: 2026-01-24. Review status: criteria provided, single submitter. Criteria: Invitae Variant Classification Sherloc (09022015). Collection method: clinical testing. Allele origin: germline.

CeGaT Center for Human Genetics Tuebingen
Classification: Likely benign. Last evaluated: 2025-10-01. Review status: criteria provided, single submitter. Criteria: CeGaT Center For Human Genetics Tuebingen Variant Classification Criteria Version 2. Collection method: clinical testing. Allele origin: germline. Affected: yes. Observed: 4 variant alleles.
Comment: TTN: BP4, BP7

Women's Health and Genetics/Laboratory Corporation of America, LabCorp
Classification: Likely benign. Last evaluated: 2025-09-29. Review status: criteria provided, single submitter. Criteria: LabCorp Variant Classification Summary - May 2015. Collection method: clinical testing. Allele origin: germline.

Molecular Diagnostic Laboratory for Inherited Cardiovascular Disease, Montreal Heart Institute
Classification: Likely benign. Last evaluated: 2025-04-09. Review status: criteria provided, single submitter. Criteria: ACMG Guidelines, 2015. Collection method: clinical testing. Allele origin: germline. Affected: no.

Blueprint Genetics
Classification: Likely benign. Last evaluated: 2024-10-16. Review status: criteria provided, single submitter. Criteria: ACMG Guidelines, 2015. Collection method: clinical testing. Allele origin: germline.

Athena Diagnostics
Classification: Benign. Last evaluated: 2024-05-28. Review status: criteria provided, single submitter. Criteria: Athena Diagnostics Criteria. Collection method: clinical testing. Allele origin: unknown.

CHEO Genetics Diagnostic Laboratory, Children's Hospital of Eastern Ontario
Classification: Likely benign for Cardiomyopathy. Last evaluated: 2023-05-16. Review status: criteria provided, single submitter. Criteria: ACMG Guidelines, 2015. Collection method: clinical testing. Allele origin: germline.

GeneDx
Classification: Likely benign. Last evaluated: 2021-05-17. Review status: criteria provided, single submitter. Criteria: GeneDx Variant Classification Process June 2021. Collection method: clinical testing. Allele origin: germline. Affected: yes.

ARUP Laboratories, Molecular Genetics and Genomics, ARUP Laboratories
Classification: Likely benign. Last evaluated: 2021-01-04. Review status: criteria provided, single submitter. Criteria: ARUP Molecular Germline Variant Investigation Process 2021. Collection method: clinical testing. Allele origin: germline.

Eurofins Ntd Llc (ga)
Classification: Likely benign. Last evaluated: 2015-10-02. Review status: criteria provided, single submitter. Criteria: EGL Classification Definitions 2015. Collection method: clinical testing. Allele origin: germline. Observed: 1 variant allele, 1 heterozygote.

Laboratory for Molecular Medicine, Mass General Brigham Personalized Medicine
Classification: Likely benign. Last evaluated: 2012-03-19. Review status: criteria provided, single submitter. Criteria: LMM Criteria. Collection method: clinical testing. Allele origin: germline. Observed: 2 variant alleles.
Comment: p.Pro10314Pro in exon 148 of TTN: This variant is not expected to have clinical significance because it does not alter an amino acid residue and is not located within the splice consensus sequence. It has been identified in 0.1% (7/6556) of European American chromosomes from a broad population by the NHLBI Exome Sequen cing Project.

Clinical Genetics DNA and cytogenetics Diagnostics Lab, Erasmus MC, Erasmus Medical Center
Classification: Likely benign. Review status: no assertion criteria provided. Collection method: clinical testing. Allele origin: germline. Affected: yes. Study: VKGL Data-share Consensus. Not counted in ClinVar's aggregate classification.

Clinical Genetics, Academic Medical Center
Classification: Benign. Review status: no assertion criteria provided. Collection method: clinical testing. Allele origin: germline. Affected: yes. Study: VKGL Data-share Consensus. Not counted in ClinVar's aggregate classification.

Diagnostic Laboratory, Department of Genetics, University Medical Center Groningen
Classification: Likely benign. Review status: no assertion criteria provided. Collection method: clinical testing. Allele origin: germline. Affected: yes. Study: VKGL Data-share Consensus. Not counted in ClinVar's aggregate classification.

Literature cited by the submitters: PubMed 22820391 (cited by Athena Diagnostics).